The following is an entry in ClinVar:

NM_014055.4(IFT81):c.1441C>T (p.Arg481Ter)

Gene: IFT81 (intraflagellar transport 81; plus strand). Cytogenetic location: 12q24.11.
Variant type: single nucleotide variant.
Coding change: c.1441C>T on transcript NM_014055.4 (MANE Select); coding-DNA position 1441, C replaced by T.
Protein change: p.Arg481Ter; replaces arginine 481 with a stop codon.
Molecular consequence: nonsense. On other transcripts: non-coding transcript variant (4).
Genome position (GRCh38, 1-based): chr12:110,191,022, C>T. VCF-style: chr12-110191022-C-T. GRCh37 (hg19) VCF-style: chr12-110628827-C-T.
Other names: c.1441C>T, p.Arg481Ter (NM_001143779.2); c.511C>T, p.Arg171Ter (NM_001347947.2, NM_001347948.2); short protein forms R171*, R481*.
Identifiers: ClinVar variation 956773 (VCV000956773.11), dbSNP rs201791587, ClinGen allele CA6783364.
Genomic context (GRCh38, chr12:110,191,022, plus strand): 5'-ACCCAAGAAGAGCTAGAAAGAGTATCTGCACTGAAGAGTGAAGTTGATGAAATGAAAGGA[C>T]GAACATTGGATGATATGTCTGAAATGGTGATGATACTTTTATTTAAATTTTCTTTTATTG-3'

ClinVar aggregate classification (germline): Pathogenic/Likely pathogenic. Review status: criteria provided, multiple submitters, no conflicts (2 of 4 stars). 3 submissions from 3 submitters: Pathogenic (1); Likely pathogenic (1). 1 of the submissions does not count toward it. Last evaluated 2025-04-17.

Conditions:
Short-rib thoracic dysplasia 19 with or without polydactyly. Identifiers: MedGen C4693524, MONDO:0033485, OMIM 617895.
IFT81-related disorders.

Allele frequency attached by ClinVar (database versions not stated): ExAC 0.00003; gnomAD exomes 0.00003; gnomAD 0.00005; TOPMed 0.00012; ESP Exome Variant Server 0.00034.
gnomAD v4.1: 63 of 1,607,900 alleles (0.0039%); highest among the groups gnomAD compares: African/African-American, 0.019%; no homozygotes.

Submissions (3):

Labcorp Genetics (formerly Invitae), Labcorp
Classification: Pathogenic. Last evaluated: 2025-04-17. Review status: criteria provided, single submitter. Criteria: Invitae Variant Classification Sherloc (09022015). Collection method: clinical testing. Allele origin: germline.
Comment: This sequence change creates a premature translational stop signal (p.Arg481*) in the IFT81 gene. It is expected to result in an absent or disrupted protein product. Loss-of-function variants in IFT81 are known to be pathogenic (PMID: 26275418, 27666822). This variant is present in population databases (rs201791587, gnomAD 0.01%). This variant has not been reported in the literature in individuals affected with IFT81-related conditions. ClinVar contains an entry for this variant (Variation ID: 956773). For these reasons, this variant has been classified as Pathogenic.

Blueprint Genetics
Classification: Likely pathogenic for IFT81-related disorders. Last evaluated: 2021-11-16. Review status: criteria provided, single submitter. Criteria: ACMG Guidelines, 2015. Collection method: clinical testing. Allele origin: germline. Affected: yes. Observed: 5 variant alleles.

Institute of Medical Genetics and Genomics, Sir Ganga Ram Hospital
Classification: Pathogenic for Short-rib thoracic dysplasia 19 with or without polydactyly. Last evaluated: 2022-01-30. Review status: no assertion criteria provided. Collection method: clinical testing. Allele origin: germline. Inheritance: Autosomal recessive inheritance. Affected: yes. Observed: 1 compound heterozygote. Not counted in ClinVar's aggregate classification.
Comment: This stop gain variant is present in compound heterozygous state with another mis-sense variant c.134T>C (p.I45T) in IFT81 gene. The allele frequency is 0.0029% in gnomAD (aggregated) database. This variant has been previously reported by Perrault I et al in 2015. In-silico bioinformatic software predict this variant by mutation taster as Disease causing and PROVEAN as Damaging. Short rib thoracic dysplasia 19 with or without polydactyly is an autosomal recessive disorder and can be caused by Homozygous or Compound heterozygous variants. Based on phenotypic overall and identified variant we classify this as pathogenic variant.

Literature cited by the submitters: PubMed 26275418 (cited by Labcorp Genetics (formerly Invitae), Labcorp and Institute of Medical Genetics and Genomics, Sir Ganga Ram Hospital); PubMed 27666822 (cited by Labcorp Genetics (formerly Invitae), Labcorp).